The following is an entry in ClinVar:

NM_003403.5(YY1):c.111G>T (p.Glu37Asp)

Gene: YY1 (YY1 transcription factor; plus strand). Cytogenetic location: 14q32.2.
Variant type: single nucleotide variant.
Coding change: c.111G>T on transcript NM_003403.5 (MANE Select); coding-DNA position 111, G replaced by T.
Protein change: p.Glu37Asp; replaces glutamic acid 37 with aspartic acid.
Molecular consequence: missense variant.
Genome position (GRCh38, 1-based): chr14:100,239,355, G>T. VCF-style: chr14-100239355-G-T. GRCh37 (hg19) VCF-style: chr14-100705692-G-T.
Other names: short protein forms E37D.
Identifiers: ClinVar variation 4882993 (VCV004882993.2).
Genomic context (GRCh38, chr14:100,239,355, plus strand): 5'-GGCCGAGATCGTGGAGCTGCACGAGATCGAGGTGGAGACCATCCCGGTGGAGACCATCGA[G>T]ACCACAGTGGTGGGCGAGGAGGAGGAGGAGGACGACGACGACGAGGACGGCGGCGGTGGC-3'
Protein context (NP_003394.1, residues 27-47): EVETIPVETI[Glu37Asp]TTVVGEEEEE

ClinVar aggregate classification (germline): Uncertain significance (1 of 4 stars; one submission).

Submission:

Dasa
Classification: Uncertain significance. Last evaluated: 2026-04-09. Review status: criteria provided, single submitter. Criteria: DASA Assertion Criteria. Collection method: clinical testing. Allele origin: germline.
Comment: NM_003403.5(YY1):c.111G>T (p.Glu37Asp) is a missense variant that results in the substitution of glutamic acid with aspartic acid. This variant is rare in population databases. Computational prediction algorithms are consistent with a benign effect. The currently available literature and clinical evidence are not sufficient to establish a definitive association between this variant and the reported condition. Therefore, this variant is classified as a variant of uncertain significance.